The following is an entry in ClinVar:

NM_017636.4(TRPM4):c.2664C>G (p.Tyr888Ter)

Gene: TRPM4 (transient receptor potential cation channel subfamily M member 4; plus strand). Cytogenetic location: 19q13.33.
Variant type: single nucleotide variant.
Coding change: c.2664C>G on transcript NM_017636.4 (MANE Select); coding-DNA position 2664, C replaced by G.
Protein change: p.Tyr888Ter; replaces tyrosine 888 with a stop codon.
Molecular consequence: nonsense.
Genome position (GRCh38, 1-based): chr19:49,200,318, C>G. VCF-style: chr19-49200318-C-G. GRCh37 (hg19) VCF-style: chr19-49703575-C-G.
Other names: c.2229C>G, p.Tyr743Ter (NM_001195227.2); c.2319C>G, p.Tyr773Ter (NM_001321281.2); c.1056C>G, p.Tyr352Ter (NM_001321282.2); c.2142C>G, p.Tyr714Ter (NM_001321283.2); c.1602C>G, p.Tyr534Ter (NM_001321285.2); short protein forms Y352*, Y534*, Y714*, Y743*, Y773*, Y888*.
Identifiers: ClinVar variation 1677789 (VCV001677789.5), dbSNP rs2145967337, ClinGen allele CA406810046.

ClinVar aggregate classification (germline): Uncertain significance. Review status: criteria provided, multiple submitters, no conflicts (2 of 4 stars). 3 submissions from 3 submitters: Uncertain significance (3). Last evaluated 2023-04-03.

Conditions:
Progressive familial heart block type IB (PFHB1B). Identifiers: Orphanet 871, MedGen C1970298, MONDO:0011474, OMIM 604559.
Erythrokeratodermia variabilis et progressiva 6. Identifiers: MedGen C5193144, MONDO:0032801, OMIM 618531.

Submissions (3):

Labcorp Genetics (formerly Invitae), Labcorp
Classification: Uncertain significance for Progressive familial heart block type IB. Last evaluated: 2023-04-03. Review status: criteria provided, single submitter. Criteria: Invitae Variant Classification Sherloc (09022015). Collection method: clinical testing. Allele origin: germline.
Comment: This sequence change creates a premature translational stop signal (p.Tyr888*) in the TRPM4 gene. It is expected to result in an absent or disrupted protein product. However, the current clinical and genetic evidence is not sufficient to establish whether loss-of-function variants in TRPM4 cause disease. This variant is not present in population databases (gnomAD no frequency). This variant has not been reported in the literature in individuals affected with TRPM4-related conditions. ClinVar contains an entry for this variant (Variation ID: 1677789). In summary, the available evidence is currently insufficient to determine the role of this variant in disease. Therefore, it has been classified as a Variant of Uncertain Significance.

AiLife Diagnostics
Classification: Uncertain significance. Last evaluated: 2022-01-07. Review status: criteria provided, single submitter. Criteria: ACMG Guidelines, 2015. Collection method: clinical testing. Allele origin: germline. Affected: yes. Observed: 1 variant allele.

Fulgent Genetics
Classification: Uncertain significance for Progressive familial heart block type IB; Erythrokeratodermia variabilis et progressiva 6. Last evaluated: 2021-10-02. Review status: criteria provided, single submitter. Criteria: ACMG Guidelines, 2015. Collection method: clinical testing. Allele origin: unknown.